The following is an entry in ClinVar:

ClinVar aggregate classification (germline): Uncertain significance (1 of 4 stars; one submission).

gnomAD v4.1: 17 of 1,613,824 alleles (0.0011%); highest among the groups gnomAD compares: Non-Finnish European, 0.0014%; no homozygotes.

Submission:

Labcorp Genetics (formerly Invitae), Labcorp
Classification: Uncertain significance. Last evaluated: 2025-01-09. Review status: criteria provided, single submitter. Criteria: Invitae Variant Classification Sherloc (09022015). Collection method: clinical testing. Allele origin: germline.
Comment: This sequence change replaces isoleucine, which is neutral and non-polar, with valine, which is neutral and non-polar, at codon 273 of the SUCLG2 protein (p.Ile273Val). This variant is present in population databases (no rsID available, gnomAD 0.002%). This variant has not been reported in the literature in individuals affected with SUCLG2-related conditions. An algorithm developed to predict the effect of missense changes on protein structure and function (PolyPhen-2) suggests that this variant is likely to be tolerated. In summary, the available evidence is currently insufficient to determine the role of this variant in disease. Therefore, it has been classified as a Variant of Uncertain Significance.

NM_003848.4(SUCLG2):c.817A>G (p.Ile273Val)

Gene: SUCLG2 (succinate-CoA ligase GDP-forming subunit beta; minus strand). Cytogenetic location: 3p14.1.
Variant type: single nucleotide variant.
Coding change: c.817A>G on transcript NM_003848.4 (MANE Select); coding-DNA position 817, A replaced by G.
Protein change: p.Ile273Val; replaces isoleucine 273 with valine.
Molecular consequence: missense variant.
Genome position (GRCh38, 1-based): chr3:67,498,236, T>C on the plus strand (A>G on the coding strand, the complement: SUCLG2 is on the minus strand). VCF-style: chr3-67498236-T-C. GRCh37 (hg19) VCF-style: chr3-67548660-T-C.
Other names: c.817A>G, p.Ile273Val (NM_001177599.2); short protein forms I273V.
Identifiers: ClinVar variation 3607024 (VCV003607024.2).